The following is an entry in ClinVar:

NM_024580.6(EFL1):c.2156A>G (p.His719Arg)

Gene: EFL1 (elongation factor like GTPase 1; minus strand). Cytogenetic location: 15q25.2.
Variant type: single nucleotide variant.
Coding change: c.2156A>G on transcript NM_024580.6 (MANE Select); coding-DNA position 2156, A replaced by G.
Protein change: p.His719Arg; replaces histidine 719 with arginine.
Molecular consequence: missense variant. On other transcripts: non-coding transcript variant (1).
Genome position (GRCh38, 1-based): chr15:82,152,298, T>C on the plus strand (A>G on the coding strand, the complement: EFL1 is on the minus strand). VCF-style: chr15-82152298-T-C. GRCh37 (hg19) VCF-style: chr15-82444639-T-C.
Other names: c.2003A>G, p.His668Arg (NM_001040610.3); c.1367A>G, p.His456Arg (NM_001322844.2); c.2156A>G, p.His719Arg (NM_001322845.2); short protein forms H668R, H719R, H456R.
Identifiers: ClinVar variation 1368479 (VCV001368479.8), dbSNP rs2141229178, ClinGen allele CA393288904.

ClinVar aggregate classification (germline): Uncertain significance (1 of 4 stars; one submission).

Allele frequency attached by ClinVar (database versions not stated): gnomAD exomes below 0.00001.
gnomAD v4.1: 2 of 1,614,194 alleles (0.00012%); highest among the groups gnomAD compares: East Asian, 0.0022%; no homozygotes.

Submission:

Labcorp Genetics (formerly Invitae), Labcorp
Classification: Uncertain significance. Last evaluated: 2023-12-11. Review status: criteria provided, single submitter. Criteria: Invitae Variant Classification Sherloc (09022015). Collection method: clinical testing. Allele origin: germline.
Comment: This sequence change replaces histidine, which is basic and polar, with arginine, which is basic and polar, at codon 719 of the EFL1 protein (p.His719Arg). This variant is not present in population databases (gnomAD no frequency). This variant has not been reported in the literature in individuals affected with EFL1-related conditions. ClinVar contains an entry for this variant (Variation ID: 1368479). Advanced modeling of protein sequence and biophysical properties (such as structural, functional, and spatial information, amino acid conservation, physicochemical variation, residue mobility, and thermodynamic stability) performed at Invitae indicates that this missense variant is not expected to disrupt EFL1 protein function with a negative predictive value of 80%. In summary, the available evidence is currently insufficient to determine the role of this variant in disease. Therefore, it has been classified as a Variant of Uncertain Significance.